The following is an entry in ClinVar:

ClinVar aggregate classification (germline): Uncertain significance (1 of 4 stars; one submission).

Conditions:
Inborn genetic diseases. Identifiers: MedGen C0950123, MeSH D030342.

Submission:

Ambry Genetics
Classification: Uncertain significance for Inborn genetic diseases. Last evaluated: 2025-10-15. Review status: criteria provided, single submitter. Criteria: Ambry Variant Classification Scheme 2023. Collection method: clinical testing. Allele origin: germline.
Comment: The c.839T>C (p.V280A) alteration is located in exon 6 (coding exon 6) of the ARHGEF9 gene. This alteration results from a T to C substitution at nucleotide position 839, causing the valine (V) at amino acid position 280 to be replaced by an alanine (A). This variant was not reported in population-based cohorts in the Genome Aggregation Database (gnomAD). This amino acid position is highly conserved in available vertebrate species. This alteration is predicted to be deleterious by in silico analysis. Based on insufficient or conflicting evidence, the clinical significance of this alteration remains unclear.

NM_001353921.2(ARHGEF9):c.860T>C (p.Val287Ala)

Gene: ARHGEF9 (Cdc42 guanine nucleotide exchange factor 9; minus strand). Cytogenetic location: Xq11.1.
Variant type: single nucleotide variant.
Coding change: c.860T>C on transcript NM_001353921.2 (MANE Select); coding-DNA position 860, T replaced by C.
Protein change: p.Val287Ala; replaces valine 287 with alanine.
Molecular consequence: missense variant.
Genome position (GRCh38, 1-based): chrX:63,674,123, A>G on the plus strand (T>C on the coding strand, the complement: ARHGEF9 is on the minus strand). VCF-style: chrX-63674123-A-G. GRCh37 (hg19) VCF-style: chrX-62894003-A-G.
Other names: c.680T>C, p.Val227Ala (NM_001173479.2); c.533T>C, p.Val178Ala (NM_001173480.2, NM_001369042.1); c.776T>C, p.Val259Ala (NM_001330495.2, NM_001353927.2, NM_001369033.1 and 8 more transcripts); c.860T>C, p.Val287Ala (NM_001353922.2); c.878T>C, p.Val293Ala (NM_001353923.1); c.659T>C, p.Val220Ala (NM_001353924.2, NM_001353926.2, NM_001369039.1 and 1 more transcripts); c.839T>C, p.Val280Ala (NM_001353928.2, NM_001369030.1, NM_001369031.1 and 2 more transcripts); c.425T>C, p.Val142Ala (NM_001369045.1); short protein forms V287A, V142A, V178A, V220A, V280A, V227A, V259A, V293A.
Identifiers: ClinVar variation 4143170 (VCV004143170.2).